The following is an entry in ClinVar:

ClinVar aggregate classification (germline): Likely benign. Review status: criteria provided, multiple submitters, no conflicts (2 of 4 stars). 2 submissions from 2 submitters: Likely benign (2). Last evaluated 2025-11-18.

Allele frequency attached by ClinVar (database versions not stated): gnomAD exomes 0.00018 and 0.00044; gnomAD 0.00022; TOPMed 0.00025; ExAC 0.00077.
gnomAD v4.1: 311 of 1,551,066 alleles (0.02%); highest among the groups gnomAD compares: Middle Eastern, 0.17%; no homozygotes.

Submissions (2):

Labcorp Genetics (formerly Invitae), Labcorp
Classification: Likely benign. Last evaluated: 2025-11-18. Review status: criteria provided, single submitter. Criteria: Invitae Variant Classification Sherloc (09022015). Collection method: clinical testing. Allele origin: germline.

CeGaT Center for Human Genetics Tuebingen
Classification: Likely benign. Last evaluated: 2023-10-01. Review status: criteria provided, single submitter. Criteria: CeGaT Center For Human Genetics Tuebingen Variant Classification Criteria Version 2. Collection method: clinical testing. Allele origin: germline. Affected: yes. Observed: 1 variant allele.
Comment: GREB1L: PP2, BS1

NM_001142966.3(GREB1L):c.2377T>C (p.Ser793Pro)

Gene: GREB1L (GREB1 like retinoic acid receptor coactivator; plus strand). Cytogenetic location: 18q11.1.
Variant type: single nucleotide variant.
Coding change: c.2377T>C on transcript NM_001142966.3 (MANE Select); coding-DNA position 2377, T replaced by C.
Protein change: p.Ser793Pro; replaces serine 793 with proline.
Molecular consequence: missense variant.
Genome position (GRCh38, 1-based): chr18:21,477,177, T>C. VCF-style: chr18-21477177-T-C. GRCh37 (hg19) VCF-style: chr18-19057138-T-C.
Other names: short protein forms S793P.
Identifiers: ClinVar variation 741310 (VCV000741310.31), dbSNP rs201945550, ClinGen allele CA8906495.